The following is an entry in ClinVar:

ClinVar aggregate classification (germline): Benign. Review status: criteria provided, single submitter (1 of 4 stars). 4 submissions from 4 submitters: Benign (1). 3 of the submissions do not count toward it. Last evaluated 2025-02-16.

Conditions:
KDM6B-related disorder. Also called: KDM6B-related condition.

Submissions (4):

Laboratory of Genetics, Children's Clinical University Hospital Latvia
Classification: Benign. Last evaluated: 2025-02-16. Review status: criteria provided, single submitter. Criteria: ACMG Guidelines, 2015. Collection method: clinical testing. Allele origin: germline. Affected: yes.

PreventionGenetics, part of Exact Sciences
Classification: Benign for KDM6B-related condition. Last evaluated: 2019-06-12. Review status: no assertion criteria provided. Collection method: clinical testing. Allele origin: germline. Not counted in ClinVar's aggregate classification.
Comment: This variant is classified as benign based on ACMG/AMP sequence variant interpretation guidelines (Richards et al. 2015 PMID: 25741868, with internal and published modifications).

Clinical Genetics DNA and cytogenetics Diagnostics Lab, Erasmus MC, Erasmus Medical Center
Classification: Benign. Review status: no assertion criteria provided. Collection method: clinical testing. Allele origin: germline. Affected: yes. Study: VKGL Data-share Consensus. Not counted in ClinVar's aggregate classification.

Laboratory of Diagnostic Genome Analysis, Leiden University Medical Center (LUMC)
Classification: Likely benign. Review status: no assertion criteria provided. Collection method: clinical testing. Allele origin: germline. Affected: yes. Study: VKGL Data-share Consensus. Not counted in ClinVar's aggregate classification.

NM_001348716.2(KDM6B):c.753ACC[14] (p.Pro264dup)

Gene: KDM6B (lysine demethylase 6B; plus strand). Cytogenetic location: 17p13.1.
Variant type: Microsatellite.
Coding change: c.753ACC[14] on transcript NM_001348716.2 (MANE Select); 14 copies in a row of the 3-base unit ACC starting at c.753; the reference has 13 copies in a row; one copy, 3 bases duplicated.
Protein change: p.Pro264dup; duplicates proline 264.
Molecular consequence: inframe insertion.
Genome position (GRCh38, 1-based): chr17:7,846,896-7,846,898, ACC duplicated; duplicating any 3 consecutive bases within chr17:7,846,860-7,846,898 gives the same sequence; the position shown is the placement nearest the transcript's 3' end. VCF-style (leftmost placement, unchanged base first): chr17-7846859-T-TACC. GRCh37 (hg19) VCF-style: chr17-7750177-T-TACC.
Other names: c.753ACC[14], p.Pro264dup (NM_001080424.2); c.789_791dupACC (NM_001080424.1).
Identifiers: ClinVar variation 1206219 (VCV001206219.5), dbSNP rs61462443, ClinGen allele CA8360355.